The following is an entry in ClinVar:

NM_000375.3(UROS):c.-27+10G>A

Gene: UROS (uroporphyrinogen III synthase; minus strand). Cytogenetic location: 10q26.2.
Variant type: single nucleotide variant.
Coding change: c.-27+10G>A on transcript NM_000375.3 (MANE Select); 10 bases into the intron after 27 bases upstream of the start codon, G replaced by A.
Molecular consequence: intron variant.
Genome position (GRCh38, 1-based): chr10:125,823,019, C>T on the plus strand (G>A on the coding strand, the complement: UROS is on the minus strand). VCF-style: chr10-125823019-C-T. GRCh37 (hg19) VCF-style: chr10-127511588-C-T.
Other names: c.-27+10G>A (NM_001324038.2, NM_001324037.2, NM_001324036.2 and 1 more transcripts).
Identifiers: ClinVar variation 299195 (VCV000299195.5), dbSNP rs376517536, ClinGen allele CA10631189.
Genomic context (GRCh38, chr10:125,823,019, plus strand): 5'-CCCGGGGCCGGGCCCCTGCACGCCCGCGGGCTTCGGCGTCCGTACCGGTACAGCGGGCGG[C>T]GACACCTACCTCGCGGGACCGTGCCCAGCACCCGGCCTGGCACACAGCGGGCACCCGGTC-3'

ClinVar aggregate classification (germline): Likely benign (1 of 4 stars; one submission).

Conditions:
Congenital erythropoietic porphyria. Also called: GUNTHER DISEASE; UROS DEFICIENCY; Cutaneous porphyria; Congenital porphyria; Günther disease; Uroporphyrinogen III synthase, deficiency of. Identifiers: Orphanet 79277, MedGen C5886774, MONDO:0009902, OMIM 263700.

Allele frequency attached by ClinVar (database versions not stated): gnomAD 0.00032 and 0.00001; TOPMed 0.00002; 1000 Genomes Project 30x 0.00156; 1000 Genomes Project 0.00180.

Submission:

Illumina Laboratory Services, Illumina
Classification: Likely benign for Congenital erythropoietic porphyria. Last evaluated: 2018-01-12. Review status: criteria provided, single submitter. Criteria: ICSL Variant Classification Criteria 13 December 2019. Collection method: clinical testing. Allele origin: germline.
Comment: This variant was observed in the ICSL laboratory as part of a predisposition screen in an ostensibly healthy population. It had not been previously curated by ICSL or reported in the Human Gene Mutation Database (HGMD: prior to June 1st, 2018), and was therefore a candidate for classification through an automated scoring system. Utilizing variant allele frequency, disease prevalence and penetrance estimates, and inheritance mode, an automated score was calculated to assess if this variant is too frequent to cause the disease. Based on the score and internal cut-off values, a variant classified as likely benign is not then subjected to further curation. The score for this variant resulted in a classification of likely benign for this disease.